The following is an entry in ClinVar:

ClinVar aggregate classification (germline): Benign/Likely benign. Review status: criteria provided, multiple submitters, no conflicts (2 of 4 stars). 11 submissions from 11 submitters: Benign (6); Likely benign (5). Last evaluated 2026-02-01.

Conditions:
Hereditary cancer-predisposing syndrome. Also called: Tumor predisposition; Neoplastic Syndromes, Hereditary; Hereditary Cancer Syndrome; Hereditary neoplastic syndrome. Identifiers: Orphanet 140162, MedGen C0027672, MeSH D009386, MONDO:0015356.
Tuberous sclerosis syndrome (TSC). Also called: Tuberous Sclerosis Complex; Tuberous sclerosis. Identifiers: Orphanet 805, MedGen C0041341, MONDO:0001734.
Tuberous sclerosis 2 (TSC2). Identifiers: Orphanet 805, MedGen C1860707, MONDO:0013199, OMIM 613254.

Allele frequency attached by ClinVar (database versions not stated): gnomAD 0.00003; gnomAD exomes 0.00003 and 0.00006; ExAC 0.00006; TOPMed 0.00009.
gnomAD v4.1: 54 of 1,595,276 alleles (0.0034%); highest among the groups gnomAD compares: Middle Eastern, 0.033%; no homozygotes.

Submissions (11):

Labcorp Genetics (formerly Invitae), Labcorp
Classification: Benign for Tuberous sclerosis 2. Last evaluated: 2026-02-01. Review status: criteria provided, single submitter. Criteria: Invitae Variant Classification Sherloc (09022015). Collection method: clinical testing. Allele origin: germline.

CeGaT Center for Human Genetics Tuebingen
Classification: Likely benign. Last evaluated: 2025-11-01. Review status: criteria provided, single submitter. Criteria: CeGaT Center For Human Genetics Tuebingen Variant Classification Criteria Version 2. Collection method: clinical testing. Allele origin: germline. Affected: yes. Observed: 3 variant alleles.
Comment: TSC2: BP4, BP7

Quest Diagnostics Nichols Institute San Juan Capistrano
Classification: Benign. Last evaluated: 2025-10-29. Review status: criteria provided, single submitter. Criteria: Quest Diagnostics criteria. Collection method: clinical testing. Allele origin: unknown.

Myriad Genetics, Inc.
Classification: Benign for Tuberous sclerosis 2. Last evaluated: 2025-05-16. Review status: criteria provided, single submitter. Criteria: Myriad Autosomal Dominant, Autosomal Recessive and X-Linked Classification Criteria (2023). Collection method: clinical testing. Allele origin: unknown.
Comment: This variant is considered benign. This variant is a silent/synonymous amino acid change and it is not expected to impact splicing.

Blueprint Genetics
Classification: Likely benign. Last evaluated: 2024-10-24. Review status: criteria provided, single submitter. Criteria: ACMG Guidelines, 2015. Collection method: clinical testing. Allele origin: germline.

All of Us Research Program, National Institutes of Health
Classification: Benign for Tuberous sclerosis syndrome. Last evaluated: 2023-12-13. Review status: criteria provided, single submitter. Criteria: ACMG Guidelines, 2015. Collection method: clinical testing. Allele origin: germline. Inheritance: Autosomal dominant inheritance. Observed: 8 variant alleles, 8 heterozygotes.
Comment: This study involves interpretation of variants in research participants for the purpose of population health screening. Participant phenotype was not available at the time of variant classification. Additional details can be found in publication PMID: 35346344, PMCID: PMC8962531

Color Diagnostics, LLC DBA Color Health
Classification: Benign for Tuberous sclerosis syndrome. Last evaluated: 2022-09-23. Review status: criteria provided, single submitter. Criteria: ACMG Guidelines, 2015. Collection method: clinical testing. Allele origin: germline.

Sema4
Classification: Likely benign for Hereditary cancer-predisposing syndrome. Last evaluated: 2022-02-01. Review status: criteria provided, single submitter. Criteria: Sema4 Curation Guidelines. Collection method: curation. Allele origin: germline.

Genome-Nilou Lab
Classification: Benign for Tuberous sclerosis 2. Last evaluated: 2021-11-07. Review status: criteria provided, single submitter. Criteria: ACMG Guidelines, 2015. Collection method: clinical testing. Allele origin: germline. Affected: no.

GeneDx
Classification: Likely benign. Last evaluated: 2021-06-24. Review status: criteria provided, single submitter. Criteria: GeneDx Variant Classification Process June 2021. Collection method: clinical testing. Allele origin: germline. Affected: yes.
Comment: This variant is associated with the following publications: (PMID: 27535533)

Ambry Genetics
Classification: Likely benign for Hereditary cancer-predisposing syndrome. Last evaluated: 2014-06-19. Review status: criteria provided, single submitter. Criteria: Ambry Variant Classification Scheme 2023. Collection method: clinical testing. Allele origin: germline.

NM_000548.5(TSC2):c.2034C>T (p.Ala678=)

Gene: TSC2 (TSC complex subunit 2; plus strand). Cytogenetic location: 16p13.3.
Variant type: single nucleotide variant.
Coding change: c.2034C>T on transcript NM_000548.5 (MANE Select); coding-DNA position 2034, C replaced by T.
Protein change: p.Ala678=; no amino-acid change (alanine 678 retained).
Molecular consequence: synonymous variant.
Genome position (GRCh38, 1-based): chr16:2,071,871, C>T. VCF-style: chr16-2071871-C-T. GRCh37 (hg19) VCF-style: chr16-2121872-C-T.
Other names: c.2034C>T, p.Ala678= (NM_001077183.3, NM_001114382.3, NM_001363528.2 and 3 more transcripts); c.1923C>T, p.Ala641= (NM_001318827.2); c.1887C>T, p.Ala629= (NM_001318829.2); c.1434C>T, p.Ala478= (NM_001318831.2); c.2067C>T, p.Ala689= (NM_001318832.2).
Identifiers: ClinVar variation 185220 (VCV000185220.49), dbSNP rs781740263, ClinGen allele CA016489.